The following is an entry in ClinVar:

ClinVar aggregate classification (germline): Uncertain significance (1 of 4 stars; one submission).

Submission:

Labcorp Genetics (formerly Invitae), Labcorp
Classification: Uncertain significance. Last evaluated: 2021-07-09. Review status: criteria provided, single submitter. Criteria: Invitae Variant Classification Sherloc (09022015). Collection method: clinical testing. Allele origin: germline.
Comment: This sequence change replaces lysine with asparagine at codon 937 of the PCARE protein (p.Lys937Asn). The lysine residue is moderately conserved and there is a moderate physicochemical difference between lysine and asparagine. This variant is not present in population databases (ExAC no frequency). This variant has not been reported in the literature in individuals with PCARE-related conditions. Algorithms developed to predict the effect of missense changes on protein structure and function (SIFT, PolyPhen-2, Align-GVGD) all suggest that this variant is likely to be tolerated, but these predictions have not been confirmed by published functional studies and their clinical significance is uncertain. In summary, the available evidence is currently insufficient to determine the role of this variant in disease. Therefore, it has been classified as a Variant of Uncertain Significance.

NM_001029883.3(PCARE):c.2811G>C (p.Lys937Asn)

Gene: PCARE (photoreceptor cilium actin regulator; minus strand). Cytogenetic location: 2p23.2.
Variant type: single nucleotide variant.
Coding change: c.2811G>C on transcript NM_001029883.3 (MANE Select); coding-DNA position 2811, G replaced by C.
Protein change: p.Lys937Asn; replaces lysine 937 with asparagine.
Molecular consequence: missense variant.
Genome position (GRCh38, 1-based): chr2:29,071,451, C>G on the plus strand (G>C on the coding strand, the complement: PCARE is on the minus strand). VCF-style: chr2-29071451-C-G. GRCh37 (hg19) VCF-style: chr2-29294317-C-G.
Other names: short protein forms K937N.
Identifiers: ClinVar variation 1000330 (VCV001000330.8), dbSNP rs900634939, ClinGen allele CA346476383.
Genomic context (GRCh38, chr2:29,071,451, plus strand): 5'-GGCCTTCCGGGGCTGCCTGTAGAGGCTGGTGGCCTTCTCTGCCTGACTCCAAGTCCCACC[C>G]TTCACCTCGGGGCTTTGGCTGGTGGCTGGTGGGCTGCTCAGGTCCAGGGCTGGCTTCCTG-3'
Protein context (NP_001025054.1, residues 927-947): PPATSQSPEV[Lys937Asn]GGTWSQAEKA